The following is an entry in ClinVar:

NM_012301.4(MAGI2):c.3919A>C (p.Lys1307Gln)

Gene: MAGI2 (membrane associated guanylate kinase, WW and PDZ domain containing 2; minus strand). Cytogenetic location: 7q21.11.
Variant type: single nucleotide variant.
Coding change: c.3919A>C on transcript NM_012301.4 (MANE Select); coding-DNA position 3919, A replaced by C.
Protein change: p.Lys1307Gln; replaces lysine 1307 with glutamine.
Molecular consequence: missense variant.
Genome position (GRCh38, 1-based): chr7:78,019,764, T>G on the plus strand (A>C on the coding strand, the complement: MAGI2 is on the minus strand). VCF-style: chr7-78019764-T-G. GRCh37 (hg19) VCF-style: chr7-77649081-T-G.
Other names: c.3877A>C, p.Lys1293Gln (NM_001301128.2); short protein forms K1293Q, K1307Q.
Identifiers: ClinVar variation 1805946 (VCV001805946.3), dbSNP rs757714231, ClinGen allele CA4313354.

ClinVar aggregate classification (germline): Uncertain significance. Review status: criteria provided, multiple submitters, no conflicts (2 of 4 stars). 3 submissions from 3 submitters: Uncertain significance (3). Last evaluated 2024-12-30.

Conditions:
Nephrotic syndrome 15. Identifiers: MedGen C4539896, MONDO:0033262, OMIM 617609.

Allele frequency attached by ClinVar (database versions not stated): gnomAD 0.00002; TOPMed 0.00002; gnomAD exomes 0.00003; ExAC 0.00007.
gnomAD v4.1: 45 of 1,612,392 alleles (0.0028%); highest among the groups gnomAD compares: East Asian, 0.029%; no homozygotes.

Submissions (3):

Ambry Genetics
Classification: Uncertain significance. Last evaluated: 2024-12-30. Review status: criteria provided, single submitter. Criteria: Ambry Variant Classification Scheme 2023. Collection method: clinical testing. Allele origin: germline.

Fulgent Genetics
Classification: Uncertain significance for Nephrotic syndrome 15. Last evaluated: 2024-01-30. Review status: criteria provided, single submitter. Criteria: ACMG Guidelines, 2015. Collection method: clinical testing. Allele origin: germline.

Victorian Clinical Genetics Services, Murdoch Childrens Research Institute
Classification: Uncertain significance for Nephrotic syndrome 15. Last evaluated: 2022-09-02. Review status: criteria provided, single submitter. Criteria: ACMG Guidelines, 2015. Collection method: clinical testing. Allele origin: germline. Inheritance: Autosomal recessive inheritance. Affected: yes.
Comment: Based on the classification scheme VCGS_Germline_v1.3.4, this variant is classified as VUS-3C. Following criteria are met: 0102 - Loss of function is a known mechanism of disease in this gene and is associated with nephrotic syndrome, type 15 (MIM#617609). (I) 0106 - This gene is associated with autosomal recessive disease. (I) 0200 - Variant is predicted to result in a missense amino acid change from lysine to glutamine. (I) 0251 - This variant is heterozygous. (I) 0304 - Variant is present in gnomAD (v2) <0.01 for a recessive condition (17 heterozygotes, 0 homozygotes). (SP) 0503 - Missense variant consistently predicted to be tolerated by multiple in silico tools or not conserved in placental mammals with a minor amino acid change. (SB) 0604 - Variant is not located in an established domain, motif, hotspot or informative constraint region. (I) 0705 - No comparable missense variants have previous evidence for pathogenicity. (I) 0807 - This variant has no previous evidence of pathogenicity. (I) 0905 - No published segregation evidence has been identified for this variant. (I) 1007 - No published functional evidence has been identified for this variant. (I) 1208 - Inheritance information for this variant is not currently available in this individual. (I) Legend: (SP) - Supporting pathogenic, (I) - Information, (SB) - Supporting benign